The following is an entry in ClinVar:

NM_000157.4(GBA1):c.625C>T (p.Arg209Cys)

Genes: GBA1 (glucosylceramidase beta 1; minus strand), LOC106627981 (GBA recombination region; plus strand). Cytogenetic location: 1q22.
Variant type: single nucleotide variant.
Coding change: c.625C>T on transcript NM_000157.4 (MANE Select); coding-DNA position 625, C replaced by T.
Protein change: p.Arg209Cys; replaces arginine 209 with cysteine.
Molecular consequence: missense variant.
Genome position (GRCh38, 1-based): chr1:155,238,270, G>A on the plus strand (C>T on the coding strand, the complement: GBA1 is on the minus strand). VCF-style: chr1-155238270-G-A. GRCh37 (hg19) VCF-style: chr1-155208061-G-A.
Other names: c.625C>T, p.Arg209Cys (NM_001005741.3, NM_001005742.3); c.364C>T, p.Arg122Cys (NM_001171811.2); c.478C>T, p.Arg160Cys (NM_001171812.2); c.625C>T (NM_000157.3); short protein forms R209C, R160C, R122C.
Identifiers: ClinVar variation 93455 (VCV000093455.16), dbSNP rs398123532, ClinGen allele CA221403.
Genomic context (GRCh38, chr1:155,238,270, plus strand): 5'-CTCCATTGGTCTTGAGCCAAGTGGGTGATGTCCAGGGGCTGGCAAGGAGTGAAACGGGAC[G>A]CTGGGCCAACTGCAGGGCTCGGTGAATCAGGGGTATCTAGAGACAAAGGTAGTGAAGAGA-3'
Protein context (NP_000148.2, residues 199-219): LIHRALQLAQ[Arg209Cys]PVSLLASPWT

ClinVar aggregate classification (germline): Pathogenic/Likely pathogenic. Review status: criteria provided, multiple submitters, no conflicts (2 of 4 stars). 9 submissions from 9 submitters: Pathogenic (8); Likely pathogenic (1). Last evaluated 2025-11-15.

Conditions:
Gaucher disease type I (GD1). Also called: Type 1 Gaucher Disease; GD 1; GLUCOCEREBROSIDASE DEFICIENCY; ACID BETA-GLUCOSIDASE DEFICIENCY; GAUCHER DISEASE, NONCEREBRAL JUVENILE; GBA DEFICIENCY. Identifiers: Orphanet 355, Orphanet 77259, MedGen C1961835, MONDO:0009265, OMIM 230800.
Gaucher disease type II (GD2). Also called: Type 2 Gaucher disease (Acute; Infantile); GAUCHER DISEASE, ACUTE NEURONOPATHIC TYPE; GD II; Acute neuronopathic Gaucher's disease. Identifiers: Orphanet 77260, MedGen C0268250, MONDO:0009266, OMIM 230900.
Gaucher disease type III. Also called: Type 3 Gaucher disease (Subacute; Juvenile); Gaucher Disease, Type 3; GAUCHER DISEASE, CHRONIC NEURONOPATHIC TYPE; GAUCHER DISEASE, JUVENILE AND ADULT, CEREBRAL; GAUCHER DISEASE, SUBACUTE NEURONOPATHIC TYPE; GD III. Identifiers: Orphanet 355, Orphanet 77261, MedGen C0268251, MONDO:0009267, OMIM 231000.
Gaucher disease-ophthalmoplegia-cardiovascular calcification syndrome. Also called: GAUCHER DISEASE, TYPE IIIC. Identifiers: Orphanet 2072, MedGen C1856476, MONDO:0009268, OMIM 231005.
Gaucher disease. Also called: Acute cerebral Gaucher disease; Cerebroside lipidosis syndrome; Gaucher splenomegaly; Sphingolipidosis 1; Glucocerebrosidosis; Glucosylceramidase deficiency. Identifiers: Orphanet 355, MedGen C0017205, MONDO:0018150.

Allele frequency attached by ClinVar (database versions not stated): gnomAD exomes 0.00001; ExAC 0.00003.
gnomAD v4.1: 12 of 1,605,194 alleles (0.00075%); highest among the groups gnomAD compares: South Asian, 0.0033%; no homozygotes.

Submissions (9):

Labcorp Genetics (formerly Invitae), Labcorp
Classification: Pathogenic. Last evaluated: 2025-11-15. Review status: criteria provided, single submitter. Criteria: Invitae Variant Classification Sherloc (09022015). Collection method: clinical testing. Allele origin: germline.
Comment: This sequence change replaces arginine, which is basic and polar, with cysteine, which is neutral and slightly polar, at codon 209 of the GBA protein (p.Arg209Cys). The frequency data for this variant in the population databases (gnomAD) is considered unreliable due to the presence of homologous sequence, such as pseudogenes or paralogs, in the genome. This missense change has been observed in individual(s) with Gaucher disease and/or Parkinson disease (PMID: 10796875, 12204005, 28727984, 30115580, 31561936, 37198191). This variant is also known as R170C. ClinVar contains an entry for this variant (Variation ID: 93455). Invitae Evidence Modeling of protein sequence and biophysical properties (such as structural, functional, and spatial information, amino acid conservation, physicochemical variation, residue mobility, and thermodynamic stability) has been performed for this missense variant. However, the output from this modeling did not meet the statistical confidence thresholds required to predict the impact of this variant on GBA protein function. This variant disrupts the p.Arg209 (also known as p.Arg170) amino acid residue in GBA. Other variant(s) that disrupt this residue have been determined to be pathogenic (PMID: 9683600, 10796875, 12204005). This suggests that this residue is clinically significant, and that variants that disrupt this residue are likely to be disease-causing. For these reasons, this variant has been classified as Pathogenic.

Natera, Inc.
Classification: Pathogenic for Gaucher disease. Last evaluated: 2025-08-21. Review status: criteria provided, single submitter. Criteria: Natera Variant Classification Schema (03/2026). Collection method: clinical testing. Allele origin: germline.
Comment: The c.625C>T variant in GBA1 is a missense variant predicted to cause substitution of arginine to cysteine at amino acid 209. This variant is rare in the general population with a frequency below the threshold expected for the associated phenotype(s). This variant has been observed in one or more individuals affected with the associated recessive disease, as either homozygous or compound heterozygous with a second variant (PMID: 10796875, 12204005, 30115580, 21704274). Additionally, this variant has been observed to segregate in affected family members (PMID: 12204005). A different variant at the same position has been determined to be Pathogenic or Likely Pathogenic. Computational prediction algorithms indicate this variant is likely to affect gene or protein function. Given the available evidence, this variant is classified as Pathogenic.

Women's Health and Genetics/Laboratory Corporation of America, LabCorp
Classification: Pathogenic for Gaucher disease. Last evaluated: 2025-03-05. Review status: criteria provided, single submitter. Criteria: LabCorp Variant Classification Summary - May 2015. Collection method: clinical testing. Allele origin: germline.
Comment: Variant summary: GBA1 c.625C>T (p.Arg209Cys) results in a non-conservative amino acid change in the encoded protein sequence. Three of three in-silico tools predict a damaging effect of the variant on protein function. The variant allele was found at a frequency of 1.3e-05 in 231928 control chromosomes (gnomAD). c.625C>T has been reported in the literature in individuals affected with Gaucher Disease (Filocamo_2002, Koprivica_2000, Tayebi_2003). These data indicate that the variant is likely to be associated with disease. At least one publication reports experimental evidence evaluating an impact on protein function and this variant affected the GBA1 protein function (Dominissini_2005). The following publications have been ascertained in the context of this evaluation (PMID: 12204005, 10796875, 16329099, 12587096). ClinVar contains an entry for this variant (Variation ID: 93455). Based on the evidence outlined above, the variant was classified as pathogenic.

Foundation for Research in Genetics and Endocrinology, FRIGE's Institute of Human Genetics
Classification: Pathogenic for Gaucher disease type I. Last evaluated: 2024-08-24. Review status: criteria provided, single submitter. Criteria: ACMG Guidelines, 2015. Collection method: clinical testing. Allele origin: germline. Inheritance: Autosomal recessive inheritance. Affected: yes. Observed: 1 compound heterozygote.
Comment: A heterozygous variant in exon 6 of the GBA gene that results in the amino acid substitution of Cysteine for Arginine at codon 209 was detected. The observed variant c.625C>T have MAF of 0.0013% in the gnomAD database. The in silico predictions is damaging by MutationTaster, DANN and FATHMM. In summary, the variant meets our criteria to be classified as pathogenic.

Mayo Clinic Laboratories, Mayo Clinic
Classification: Pathogenic. Last evaluated: 2023-05-17. Review status: criteria provided, single submitter. Criteria: ACMG Guidelines, 2015. Collection method: clinical testing. Allele origin: germline. Observed: 1 variant allele.
Comment: PP3, PP4, PM2, PM3_strong, PS4_moderate

AiLife Diagnostics
Classification: Likely pathogenic. Last evaluated: 2020-12-23. Review status: criteria provided, single submitter. Criteria: ACMG Guidelines, 2015. Collection method: clinical testing. Allele origin: germline. Affected: yes. Observed: 1 variant allele.

Broad Center for Mendelian Genomics, Broad Institute of MIT and Harvard
Classification: Pathogenic for Gaucher disease. Last evaluated: 2020-01-13. Review status: criteria provided, single submitter. Criteria: ACMG Guidelines, 2015. Collection method: curation. Allele origin: germline. Inheritance: Autosomal recessive inheritance.
Comment: The p.Arg209Cys variant in GBA has been reported in at least 14 individuals with Gaucher disease, segregated with disease in 4 affected relatives from 2 families (PMID: 10369158, 30115580, 12204005, 10796875, 26756743, 28727984, 16329099, 21704274; DOI: 10.13140/RG.2.1.3564.6481), and has been identified in 0.007% (1/14436) of African chromosomes, 0.003% (1/28708) of South Asian chromosomes, and 0.001% (1/103466) of European (non-Finnish) chromosomes by the Genome Aggregation Database (gnomAD; dbSNP rs398123532). Although this variant has been seen in the general population, its frequency is low enough to be consistent with a recessive carrier frequency. This variant has also been reported in ClinVar (VariationID: 93455) as pathogenic by EGL Genetic Diagnostics. Computational prediction tools and conservation analyses suggest that this variant may impact the protein, though this information is not predictive enough to determine pathogenicity. The presence of this variant in two affected homozygotes and in combination with reported pathogenic variants in 4 individuals with Gaucher disease increases the likelihood that the p.Arg209Cys variant is pathogenic (VariationId: 4288, 4290; PMID: 10369158, 30115580, 12204005, 10796875). The phenotype of an individual compound heterozygous for this variant is highly specific for Gaucher disease based on low residual enzyme activity consistent with disease (PMID: 16329099). One additional likely pathogenic variant, resulting in a different amino acid change at the same position, p.Arg209Pro, has been reported in association with disease in the literature, slightly supporting that a change at this position may not be tolerated (PMID: 12204005, 9683600, 10796875). In summary, this variant meets criteria to be classified as pathogenic for Gaucher disease in an autosomal recessive manner based on the presence of the variant in affected homozygotes and compound heterozygotes, cosegregation of the variant with Gaucher disease, and a patient's phenotype being highly specific for Gaucher disease. ACMG/AMP Criteria applied: PM3_strong, PM2, PP3, PP4, PM5_supporting, PP1 (Richards 2015).

Eurofins Ntd Llc (ga)
Classification: Pathogenic. Last evaluated: 2012-07-18. Review status: criteria provided, single submitter. Criteria: EGL Classification Definitions. Collection method: clinical testing. Allele origin: germline. Observed: 2 variant alleles, 1 heterozygote, 1 homozygote.

Baylor Genetics
Classification: Pathogenic for Gaucher disease type I; Gaucher disease type II; Gaucher disease type III; Gaucher disease-ophthalmoplegia-cardiovascular calcification syndrome. Review status: criteria provided, single submitter. Criteria: ACMG Guidelines, 2015. Collection method: clinical testing. Allele origin: germline.

Literature cited by the submitters: PubMed 10796875 (cited by 6 submitters); PubMed 12204005 (cited by 5 submitters); PubMed 28727984 (cited by Labcorp Genetics (formerly Invitae), Labcorp and Broad Center for Mendelian Genomics, Broad Institute of MIT and Harvard); PubMed 30115580 (cited by 4 submitters); PubMed 31561936 (cited by 3 submitters); PubMed 37198191 (cited by Labcorp Genetics (formerly Invitae), Labcorp); PubMed 9683600 (cited by Labcorp Genetics (formerly Invitae), Labcorp); PubMed 21704274 (cited by 3 submitters); PubMed 16329099 (cited by 3 submitters); PubMed 12587096 (cited by Women's Health and Genetics/Laboratory Corporation of America, LabCorp and Mayo Clinic Laboratories, Mayo Clinic); PubMed 10369158 (cited by Mayo Clinic Laboratories, Mayo Clinic and Broad Center for Mendelian Genomics, Broad Institute of MIT and Harvard); PubMed 26756743 (cited by Broad Center for Mendelian Genomics, Broad Institute of MIT and Harvard).